The following is an entry in ClinVar:

ClinVar aggregate classification (germline): Uncertain significance (1 of 4 stars; one submission).

Submission:

Labcorp Genetics (formerly Invitae), Labcorp
Classification: Uncertain significance. Last evaluated: 2025-06-01. Review status: criteria provided, single submitter. Criteria: Invitae Variant Classification Sherloc (09022015). Collection method: clinical testing. Allele origin: germline.
Comment: This sequence change replaces alanine, which is neutral and non-polar, with glycine, which is neutral and non-polar, at codon 58 of the KCNH1 protein (p.Ala58Gly). This variant is not present in population databases (gnomAD no frequency). This variant has not been reported in the literature in individuals affected with KCNH1-related conditions. Invitae Evidence Modeling of protein sequence and biophysical properties (such as structural, functional, and spatial information, amino acid conservation, physicochemical variation, residue mobility, and thermodynamic stability) has been performed for this missense variant. However, the output from this modeling did not meet the statistical confidence thresholds required to predict the impact of this variant on KCNH1 protein function. In summary, the available evidence is currently insufficient to determine the role of this variant in disease. Therefore, it has been classified as a Variant of Uncertain Significance.

NM_172362.3(KCNH1):c.173C>G (p.Ala58Gly)

Gene: KCNH1 (potassium voltage-gated channel subfamily H member 1; minus strand). Cytogenetic location: 1q32.2.
Variant type: single nucleotide variant.
Coding change: c.173C>G on transcript NM_172362.3 (MANE Select); coding-DNA position 173, C replaced by G.
Protein change: p.Ala58Gly; replaces alanine 58 with glycine.
Molecular consequence: missense variant.
Genome position (GRCh38, 1-based): chr1:211,107,284, G>C on the plus strand (C>G on the coding strand, the complement: KCNH1 is on the minus strand). VCF-style: chr1-211107284-G-C. GRCh37 (hg19) VCF-style: chr1-211280626-G-C.
Other names: c.173C>G, p.Ala58Gly (NM_002238.4); short protein forms A58G.
Identifiers: ClinVar variation 4811115 (VCV004811115.1).